The following is an entry in ClinVar:

ClinVar aggregate classification (germline): Pathogenic (1 of 4 stars; one submission).

Conditions:
Diamond-Blackfan anemia 1 (DBA1). Also called: RPS19-Related Diamond-Blackfan Anemia; BLACKFAN-DIAMOND SYNDROME; ANEMIA, CONGENITAL HYPOPLASTIC, OF BLACKFAN AND DIAMOND; ANEMIA, CONGENITAL ERYTHROID HYPOPLASTIC; RED CELL APLASIA, PURE, HEREDITARY; AREGENERATIVE ANEMIA, CHRONIC CONGENITAL. Identifiers: Orphanet 124, MedGen C2676137, MONDO:0007110, OMIM 105650.

Submission:

Broad Center for Mendelian Genomics, Broad Institute of MIT and Harvard
Classification: Pathogenic for Diamond-Blackfan anemia 1. Last evaluated: 2023-01-25. Review status: criteria provided, single submitter. Criteria: ACMG Guidelines, 2015. Collection method: curation. Allele origin: germline. Inheritance: Autosomal dominant inheritance.
Comment: Trio exome analysis showed this variant to be de novo. The p.Ala106ProfsTer5 variant in RPS19 has not been previously reported in individuals with Diamond-Blackfan anemia 1. This variant was absent from large population studies. This variant is predicted to cause a frameshift, which alters the protein‚Äôs amino acid sequence beginning at position 106 and leads to a premature termination codon 5 amino acids downstream. This alteration is then predicted to lead to a truncated or absent protein. Heterozygous loss of function of the RPS19 gene is an established disease mechanism in autosomal dominant Diamond-Blackfan anemia 1. In summary, this variant meets criteria to be classified as pathogenic for Diamond-Blackfan anemia 1. ACMG/AMP Criteria applied: PVS1, PS2_Supporting, PM2_Supporting (Richards 2015).

NM_001022.4(RPS19):c.316del (p.Ala106fs)

Genes: RPS19 (ribosomal protein S19; plus strand), RPS19-CD79A (RPS19-CD79A readthrough; plus strand). Cytogenetic location: 19q13.2.
Variant type: Deletion.
Coding change: c.316del on transcript NM_001022.4 (MANE Select); coding-DNA position 316, one base deleted (G; older notation c.316delG).
Protein change: p.Ala106fs; shifts the reading frame from alanine 106.
Molecular consequence: frameshift variant.
Genome position (GRCh38, 1-based): chr19:41,869,174, G deleted. VCF-style (leftmost placement, unchanged base first): chr19-41869173-AG-A. GRCh37 (hg19) VCF-style: chr19-42373243-AG-A.
Other names: NM_001321485.2:c.329del; c.316del, p.Ala106fs (NM_001321483.2, NM_001321484.2); c.329del, p.Ser110fs (NM_001321485.2); short protein forms S110fs, A106fs.
Identifiers: ClinVar variation 2412767 (VCV002412767.1), dbSNP rs2513683320, ClinGen allele CA2573332762.
Genomic context (GRCh38, chr19:41,869,173, plus strand): 5'-CGGCGTCATGCCCAGCCACTTCAGCCGAGGCTCCAAGAGTGTGGCCCGCCGGGTCCTCCA[AG>A]CCCTGGAGGGGCTGAAAATGGTGGAAAAGGACCAAGATGGGTAAGCAGGGTAGAGGGGGC-3'